The following is an entry in ClinVar:

NM_004183.4(BEST1):c.848T>C (p.Phe283Ser)

Gene: BEST1 (bestrophin 1; plus strand). Cytogenetic location: 11q12.3.
Variant type: single nucleotide variant.
Coding change: c.848T>C on transcript NM_004183.4 (MANE Select); coding-DNA position 848, T replaced by C.
Protein change: p.Phe283Ser; replaces phenylalanine 283 with serine.
Molecular consequence: missense variant. On other transcripts: non-coding transcript variant (1).
Genome position (GRCh38, 1-based): chr11:61,958,279, T>C. VCF-style: chr11-61958279-T-C. GRCh37 (hg19) VCF-style: chr11-61725751-T-C.
Other names: c.668T>C, p.Phe223Ser (NM_001139443.3, NM_001300786.2, NM_001300787.2); c.530T>C, p.Phe177Ser (NM_001363591.3); c.848T>C, p.Phe283Ser (NM_001363592.2); c.-328T>C (NM_001363593.3); short protein forms F283S, F223S, F177S.
Identifiers: ClinVar variation 2087556 (VCV002087556.5), dbSNP rs2541384854, ClinGen allele CA380840264.

ClinVar aggregate classification (germline): Uncertain significance. Review status: criteria provided, multiple submitters, no conflicts (2 of 4 stars). 2 submissions from 2 submitters: Uncertain significance (2). Last evaluated 2022-08-20.

Submissions (2):

Blueprint Genetics
Classification: Uncertain significance. Last evaluated: 2022-08-20. Review status: criteria provided, single submitter. Criteria: ACMG Guidelines, 2015. Collection method: clinical testing. Allele origin: germline.

Labcorp Genetics (formerly Invitae), Labcorp
Classification: Uncertain significance. Last evaluated: 2022-01-18. Review status: criteria provided, single submitter. Criteria: Invitae Variant Classification Sherloc (09022015). Collection method: clinical testing. Allele origin: germline.
Comment: This variant is not present in population databases (gnomAD no frequency). This sequence change replaces phenylalanine, which is neutral and non-polar, with serine, which is neutral and polar, at codon 283 of the BEST1 protein (p.Phe283Ser). In summary, the available evidence is currently insufficient to determine the role of this variant in disease. Therefore, it has been classified as a Variant of Uncertain Significance. Advanced modeling of protein sequence and biophysical properties (such as structural, functional, and spatial information, amino acid conservation, physicochemical variation, residue mobility, and thermodynamic stability) performed at Invitae indicates that this missense variant is expected to disrupt BEST1 protein function. This variant has not been reported in the literature in individuals affected with BEST1-related conditions.